The following is an entry in ClinVar:

ClinVar aggregate classification (germline): Conflicting classifications of pathogenicity. Review status: criteria provided, conflicting classifications (1 of 4 stars). 2 submissions from 2 submitters: Likely pathogenic (1); Uncertain significance (1). Last evaluated 2023-04-18.

Conditions:
Aniridia 1 (AN1). Identifiers: Orphanet 250923, MedGen C0344542, MONDO:0024507, OMIM 106210.
Irido-corneo-trabecular dysgenesis (ASGD5). Also called: ANTERIOR SEGMENT DYSGENESIS 5. Identifiers: Orphanet 708, MedGen C0344559, MONDO:0011414, OMIM 604229, HP:0000659.

Submissions (2):

Blueprint Genetics
Classification: Uncertain significance. Last evaluated: 2023-04-18. Review status: criteria provided, single submitter. Criteria: ACMG Guidelines, 2015. Collection method: clinical testing. Allele origin: germline.

Labcorp Genetics (formerly Invitae), Labcorp
Classification: Likely pathogenic for Aniridia 1; Irido-corneo-trabecular dysgenesis. Last evaluated: 2021-01-03. Review status: criteria provided, single submitter. Criteria: Invitae Variant Classification Sherloc (09022015). Collection method: clinical testing. Allele origin: germline.
Comment: In summary, the currently available evidence indicates that the variant is pathogenic, but additional data are needed to prove that conclusively. Therefore, this variant has been classified as Likely Pathogenic. This variant disrupts the p.Pro76 amino acid residue in PAX6. Other variant(s) that disrupt this residue have been determined to be pathogenic (PMID: 23942204). This suggests that this residue is clinically significant, and that variants that disrupt this residue are likely to be disease-causing. Advanced modeling of protein sequence and biophysical properties (such as structural, functional, and spatial information, amino acid conservation, physicochemical variation, residue mobility, and thermodynamic stability) performed at Invitae indicates that this missense variant is expected to disrupt PAX6 protein function. This variant has not been reported in the literature in individuals with PAX6-related conditions. This variant is not present in population databases (ExAC no frequency). This sequence change replaces proline with glutamine at codon 76 of the PAX6 protein (p.Pro76Gln). The proline residue is highly conserved and there is a moderate physicochemical difference between proline and glutamine.

Literature cited by the submitters: PubMed 23942204 (cited by Labcorp Genetics (formerly Invitae), Labcorp).

NM_001368894.2(PAX6):c.269C>A (p.Pro90Gln)

Gene: PAX6 (paired box 6; minus strand). Cytogenetic location: 11p13.
Variant type: single nucleotide variant.
Coding change: c.269C>A on transcript NM_001368894.2 (MANE Select); coding-DNA position 269, C replaced by A.
Protein change: p.Pro90Gln; replaces proline 90 with glutamine.
Molecular consequence: missense variant. On other transcripts: 5 prime UTR variant (14), non-coding transcript variant (2), intron variant (8).
Genome position (GRCh38, 1-based): chr11:31,801,691, G>T on the plus strand (C>A on the coding strand, the complement: PAX6 is on the minus strand). VCF-style: chr11-31801691-G-T. GRCh37 (hg19) VCF-style: chr11-31823239-G-T.
Other names: c.227C>A, p.Pro76Gln (NM_000280.6, NM_001127612.3, NM_001368887.2 and 10 more transcripts); c.269C>A, p.Pro90Gln (NM_001258462.3, NM_001258463.2, NM_001310158.2 and 6 more transcripts); c.-513C>A (NM_001310160.2, NM_001368902.2, NM_001368905.2); c.-182C>A (NM_001310161.3, NM_001368899.2, NM_001368900.2 and 8 more transcripts); c.470C>A, p.Pro157Gln (NM_001368910.2); c.272C>A, p.Pro91Gln (NM_001368911.2); c.344C>A, p.Pro115Gln (NM_001368918.2, NM_001368919.2); c.302C>A, p.Pro101Gln (NM_001368920.2); and 2 more; short protein forms P91Q, P101Q, P90Q, P115Q, P157Q, P76Q.
Identifiers: ClinVar variation 1488220 (VCV001488220.9), dbSNP rs2135096558, ClinGen allele CA379958804.